The following is an entry in ClinVar:

ClinVar aggregate classification (germline): Pathogenic. Review status: criteria provided, multiple submitters, no conflicts (2 of 4 stars). 10 submissions from 10 submitters: Pathogenic (9). 1 of the submissions does not count toward it. Last evaluated 2026-01-13.

Conditions:
Hereditary cancer-predisposing syndrome. Also called: Hereditary Cancer Syndrome; Neoplastic Syndromes, Hereditary; Hereditary neoplastic syndrome; Tumor predisposition. Identifiers: Orphanet 140162, MedGen C0027672, MeSH D009386, MONDO:0015356.
Familial spontaneous pneumothorax (PSP). Identifiers: Orphanet 2903, MedGen C1868193, MONDO:0008259, OMIM 173600.
Birt-Hogg-Dube syndrome. Also called: Birt Hogg Dubé syndrome. Identifiers: Orphanet 122, MedGen C0346010, MONDO:0800444.

Submissions (10):

Labcorp Genetics (formerly Invitae), Labcorp
Classification: Pathogenic for Birt-Hogg-Dube syndrome. Last evaluated: 2026-01-13. Review status: criteria provided, single submitter. Criteria: Invitae Variant Classification Sherloc (09022015). Collection method: clinical testing. Allele origin: germline.
Comment: This sequence change creates a premature translational stop signal (p.Gly319Serfs*80) in the FLCN gene. It is expected to result in an absent or disrupted protein product. Loss-of-function variants in FLCN are known to be pathogenic (PMID: 15852235). This variant is not present in population databases (gnomAD no frequency). This premature translational stop signal has been observed in individual(s) with Birt-Hogg-Dubé (BHD) syndrome, and multiple fibrofolliculomas (PMID: 12204536, 19802896, 26402642). It has also been observed to segregate with disease in related individuals. This variant is also known as c.923_950dup and 1378-1405dup. ClinVar contains an entry for this variant (Variation ID: 96493). RNA analysis performed to evaluate the impact of this premature translational stop signal on mRNA splicing indicates it does not significantly alter splicing (internal data). For these reasons, this variant has been classified as Pathogenic.

GeneDx
Classification: Pathogenic. Last evaluated: 2025-09-19. Review status: criteria provided, single submitter. Criteria: GeneDx Variant Classification Process June 2021. Collection method: clinical testing. Allele origin: germline. Affected: yes.
Comment: Frameshift variant predicted to result in protein truncation or nonsense mediated decay in a gene for which loss of function is a known mechanism of disease; Not observed at significant frequency in large population cohorts (gnomAD); This variant is associated with the following publications: (PMID: 23757202, 12204536, 11836379, 15852235, 18234728, 19802896, 19788617, 26402642, 21937013, 19562744)

Mayo Clinic Laboratories, Mayo Clinic
Classification: Pathogenic. Last evaluated: 2025-01-13. Review status: criteria provided, single submitter. Criteria: ACMG Guidelines, 2015. Collection method: clinical testing. Allele origin: germline. Observed: 7 variant alleles.
Comment: PP1_strong, PP4, PM2_supporting, PVS1

Myriad Genetics, Inc.
Classification: Pathogenic for Birt-Hogg-Dube syndrome 1. Last evaluated: 2023-07-06. Review status: criteria provided, single submitter. Criteria: Myriad Autosomal Dominant, Autosomal Recessive and X-Linked Classification Criteria (2023). Collection method: clinical testing. Allele origin: unknown.
Comment: This variant is considered pathogenic. This variant creates a frameshift predicted to result in premature protein truncation.

Quest Diagnostics Nichols Institute San Juan Capistrano
Classification: Pathogenic. Last evaluated: 2022-03-18. Review status: criteria provided, single submitter. Criteria: Quest Diagnostics criteria. Collection method: clinical testing. Allele origin: unknown.
Comment: This frameshift variant alters the translational reading frame of the FLCN mRNA and causes the premature termination of FLCN protein synthesis. This variant has not been reported in large, multi-ethnic general populations. In the published literature, the variant has been reported in several Birt-Hogg-Dube (BHD) syndrome affected families (PMIDs: 15852235 (2005), 12204536 (2002)). Based on the available information, this variant is classified as pathogenic.

Women's Health and Genetics/Laboratory Corporation of America, LabCorp
Classification: Pathogenic for Pneumothorax, primary spontaneous. Last evaluated: 2018-03-16. Review status: criteria provided, single submitter. Criteria: LabCorp Variant Classification Summary - May 2015. Collection method: clinical testing. Allele origin: germline.
Comment: Variant summary: FLCN c.927_954dup28 (p.Gly319SerfsX80) results in a premature termination codon, predicted to cause a truncation of the encoded protein or absence of the protein due to nonsense mediated decay, which are commonly known mechanisms for disease. A truncation downstream of this position, c.1389C>G (p.Tyr463X) has been classified as pathogenic by our laboratory. The variant was absent in 121372 control chromosomes (ExAC). The variant, c.927_954dup28, also known as c.1378_1405dup, has been reported in the literature in multiple individuals affected with Birt-Hogg-Dube Syndrome (Schmidt_2005). These data indicate that the variant is very likely to be associated with disease. Co-occurrence with another pathogenic variant has been reported (PMS2 c.2186_2187delTC, p.Leu729fsX6). To our knowledge, no experimental evidence demonstrating an impact on protein function has been reported. Multiple ClinVar submissions from clinical diagnostic laboratories (evaluation after 2014) cites the variant as "pathogenic." Based on the evidence outlined above, the variant was classified as pathogenic.

Genomic Diagnostic Laboratory, Division of Genomic Diagnostics, Children's Hospital of Philadelphia
Classification: Pathogenic for Birt-Hogg-Dube Syndrome. Last evaluated: 2016-07-18. Review status: criteria provided, single submitter. Criteria: DGD Variant Analysis Guidelines. Collection method: clinical testing. Allele origin: germline. Affected: yes. Observed: 3 variant alleles.
Comment: Clinical Testing

Ambry Genetics
Classification: Pathogenic for Hereditary cancer-predisposing syndrome. Last evaluated: 2016-03-10. Review status: criteria provided, single submitter. Criteria: Ambry Autosomal Dominant and X-Linked criteria (10/2015). Collection method: clinical testing. Allele origin: germline. Observed: 1 variant allele.
Comment: <span style="font-family:arial,sans-serif; font-size:10pt">The<span style="font-family:arial,sans-serif">c.927_<span style="font-family:arial,sans-serif; font-size:10pt">954dup28<span style="font-family:arial,sans-serif; font-size:10pt"><span style="font-family:arial,sans-serif; font-size:10pt">pathogenic mutation, located in codingexon6 of the<span style="font-family:arial,sans-serif; font-size:10pt">FLCN<span style="font-family:arial,sans-serif; font-size:10pt"><span style="font-family:arial,sans-serif; font-size:10pt">gene, results from a duplication of 28 nucleotides between positions 927 and 954 causing a translationalframeshiftwith a predicted alternate stopcodon. This alteration has been reported as a recurrent mutation in families clinically diagnosed with Birt-Hogg-Dub&eacute; syndrome (Schmidt LS et al. Abstract O-27.<span style="font-family:arial,sans-serif">Fam. Cancer2011 May; 10Suppl3:S103-16). Inaddition to the clinical data presented in the literature, sinceframeshiftsare typically deleterious in nature, this alteration is interpreted as a disease-causing mutation (ACMGRecommendations for Standards for Interpretation and Reporting of Sequence Variations. Revision 2007.<span style="font-family:arial,sans-serif">Genet Med. 2008;10:294).

Eurofins Ntd Llc (ga)
Classification: Pathogenic. Last evaluated: 2015-07-10. Review status: criteria provided, single submitter. Criteria: EGL Classification Definitions. Collection method: clinical testing. Allele origin: germline. Observed: 3 variant alleles, 3 heterozygotes.

OMIM
Classification: Pathogenic for BIRT-HOGG-DUBE SYNDROME 1. Last evaluated: 2009-09-01. Review status: no assertion criteria provided. Collection method: literature only. Allele origin: germline. Not counted in ClinVar's aggregate classification.

Literature cited by the submitters: PubMed 15852235 (cited by 4 submitters); PubMed 12204536 (cited by 4 submitters); PubMed 19802896 (cited by Labcorp Genetics (formerly Invitae), Labcorp and Quest Diagnostics Nichols Institute San Juan Capistrano); PubMed 26402642 (cited by 3 submitters); PubMed 21506000 (cited by Ambry Genetics); PubMed 23757202 (cited by Eurofins Ntd Llc (ga)); PubMed 19562744 (cited by OMIM).

NM_144997.7(FLCN):c.927_954dup (p.Gly319fs)

Gene: FLCN (folliculin; minus strand). Cytogenetic location: 17p11.2.
Variant type: Duplication.
Coding change: c.927_954dup on transcript NM_144997.7 (MANE Select); coding-DNA positions 927 to 954, 28 bases duplicated (AGCCCCTGTGTTGCCAGAGAGTACAGAA).
Protein change: p.Gly319fs; shifts the reading frame from glycine 319.
Molecular consequence: frameshift variant.
Genome position (GRCh38, 1-based): chr17:17,219,127-17,219,154, TTCTGTACTCTCTGGCAACACAGGGGCT duplicated on the plus strand (AGCCCCTGTGTTGCCAGAGAGTACAGAA on the coding strand, the reverse complement: FLCN is on the minus strand); duplicating any 28 consecutive bases within chr17:17,219,127-17,219,158 gives the same sequence; the c. name uses the placement nearest the transcript's 3' end. VCF-style (leftmost placement, unchanged base first): chr17-17219126-C-CTTCTGTACTCTCTGGCAACACAGGGGCT. GRCh37 (hg19) VCF-style: chr17-17122440-C-CTTCTGTACTCTCTGGCAACACAGGGGCT.
Other names: p.Gly319Serfs*80; c.927_954dup (LRG_325t1, NM_144997.6); c.927_954dupAGCCCCTGTGTTGCCAGAGAGTACAGAA (NM_144997.5); c.981_1008dup, p.Gly337fs (NM_001353229.2); c.927_954dup, p.Gly319fs (NM_001353230.2, NM_001353231.2); short protein forms G319fs, G337fs.
Identifiers: ClinVar variation 96493 (VCV000096493.26), dbSNP rs398124542, ClinGen allele CA224181.